The following is an entry in ClinVar:

NM_001111067.4(ACVR1):c.455G>A (p.Arg152His)

Gene: ACVR1 (activin A receptor type 1; minus strand). Cytogenetic location: 2q24.1.
Variant type: single nucleotide variant.
Coding change: c.455G>A on transcript NM_001111067.4 (MANE Select); coding-DNA position 455, G replaced by A.
Protein change: p.Arg152His; replaces arginine 152 with histidine.
Molecular consequence: missense variant.
Genome position (GRCh38, 1-based): chr2:157,778,219, C>T on the plus strand (G>A on the coding strand, the complement: ACVR1 is on the minus strand). VCF-style: chr2-157778219-C-T. GRCh37 (hg19) VCF-style: chr2-158634731-C-T.
Other names: c.455G>A, p.Arg152His (NM_001105.5, NM_001347663.1, NM_001347664.1 and 3 more transcripts); short protein forms R152H.
Identifiers: ClinVar variation 3022337 (VCV003022337.3), dbSNP rs748791232, ClinGen allele CA1919153.

ClinVar aggregate classification (germline): Uncertain significance (1 of 4 stars; one submission).

Allele frequency attached by ClinVar (database versions not stated): ExAC 0.00002; TOPMed 0.00001; gnomAD exomes 0.00002.

Submission:

Labcorp Genetics (formerly Invitae), Labcorp
Classification: Uncertain significance. Last evaluated: 2025-09-28. Review status: criteria provided, single submitter. Criteria: Invitae Variant Classification Sherloc (09022015). Collection method: clinical testing. Allele origin: germline.
Comment: This sequence change replaces arginine, which is basic and polar, with histidine, which is basic and polar, at codon 152 of the ACVR1 protein (p.Arg152His). This variant is present in population databases (rs748791232, gnomAD 0.01%). This variant has not been reported in the literature in individuals affected with ACVR1-related conditions. ClinVar contains an entry for this variant (Variation ID: 3022337). An algorithm developed to predict the effect of missense changes on protein structure and function (PolyPhen-2) suggests that this variant is likely to be tolerated. In summary, the available evidence is currently insufficient to determine the role of this variant in disease. Therefore, it has been classified as a Variant of Uncertain Significance.